The following is an entry in ClinVar:

ClinVar aggregate classification (germline): Uncertain significance. Review status: criteria provided, multiple submitters, no conflicts (2 of 4 stars). 3 submissions from 3 submitters: Uncertain significance (3). Last evaluated 2026-04-23.

Conditions:
Hereditary hemorrhagic telangiectasia (HHT). Also called: ORW DISEASE; Osler Weber Rendu syndrome; OSLER-RENDU-WEBER DISEASE; Osler hemorrhagic telangiectasia syndrome. Identifiers: Orphanet 774, MedGen C0039445, MONDO:0019180. Disease mechanism: loss of function.

Submissions (3):

GeneDx
Classification: Uncertain significance. Last evaluated: 2026-04-23. Review status: criteria provided, single submitter. Criteria: GeneDx Variant Classification Process June 2021. Collection method: clinical testing. Allele origin: germline.
Comment: Published functional studies demonstrate a damaging effect by decreasing protein levels in HeLa and HUVEC cells and decreased ability to activate ALK1 (PMID: 37848456); This variant is associated with the following publications: (PMID: 37848456)

Labcorp Genetics (formerly Invitae), Labcorp
Classification: Uncertain significance for Hereditary hemorrhagic telangiectasia. Last evaluated: 2021-12-01. Review status: criteria provided, single submitter. Criteria: Invitae Variant Classification Sherloc (09022015). Collection method: clinical testing. Allele origin: germline.
Comment: This variant occurs in a non-coding region of the ENG gene. It does not change the encoded amino acid sequence of the ENG protein. This variant is not present in population databases (gnomAD no frequency). This variant has been observed in individual(s) with clinical features of ENG-related conditions (Invitae). ClinVar contains an entry for this variant (Variation ID: 618621). Experimental studies and prediction algorithms are not available or were not evaluated, and the functional significance of this variant is currently unknown. In summary, the available evidence is currently insufficient to determine the role of this variant in disease. Therefore, it has been classified as a Variant of Uncertain Significance.

ARUP Laboratories, Molecular Genetics and Genomics, ARUP Laboratories
Classification: Uncertain significance. Last evaluated: 2017-05-16. Review status: criteria provided, single submitter. Criteria: ARUP Molecular Germline Variant Investigation Process. Collection method: clinical testing. Allele origin: germline.

NM_001114753.3(ENG):c.-79C>T

Gene: ENG (endoglin; minus strand). Cytogenetic location: 9q34.11.
Variant type: single nucleotide variant.
Coding change: c.-79C>T on transcript NM_001114753.3 (MANE Select); 79 bases upstream of the start codon, C replaced by T.
Molecular consequence: 5 prime UTR variant.
Genome position (GRCh38, 1-based): chr9:127,854,434, G>A on the plus strand (C>T on the coding strand, the complement: ENG is on the minus strand). VCF-style: chr9-127854434-G-A. GRCh37 (hg19) VCF-style: chr9-130616713-G-A.
Other names: c.-79C>T (NM_000118.4, NM_001406715.1).
Identifiers: ClinVar variation 618621 (VCV000618621.15), dbSNP rs1564466502, ClinGen allele CA913189496.